The following is an entry in ClinVar:

NM_020433.5(JPH2):c.1964G>A (p.Arg655Gln)

Gene: JPH2 (junctophilin 2; minus strand). Cytogenetic location: 20q13.12.
Variant type: single nucleotide variant.
Coding change: c.1964G>A on transcript NM_020433.5 (MANE Select); coding-DNA position 1964, G replaced by A.
Protein change: p.Arg655Gln; replaces arginine 655 with glutamine.
Molecular consequence: missense variant.
Genome position (GRCh38, 1-based): chr20:44,115,711, C>T on the plus strand (G>A on the coding strand, the complement: JPH2 is on the minus strand). VCF-style: chr20-44115711-C-T. GRCh37 (hg19) VCF-style: chr20-42744351-C-T.
Other names: short protein forms R655Q.
Identifiers: ClinVar variation 850305 (VCV000850305.12), dbSNP rs1569180563, ClinGen allele CA409099587.

ClinVar aggregate classification (germline): Uncertain significance. Review status: criteria provided, multiple submitters, no conflicts (2 of 4 stars). 3 submissions from 3 submitters: Uncertain significance (3). Last evaluated 2023-10-13.

Conditions:
Cardiomyopathy, dilated, 2E. Identifiers: MedGen C5561970, MONDO:0030366, OMIM 619492.
Hypertrophic cardiomyopathy 17. Identifiers: MedGen C3151264, MONDO:0013474, OMIM 613873.
Cardiovascular phenotype. Identifiers: MedGen CN230736.
Hypertrophic cardiomyopathy. Also called: HYPERTROPHIC MYOCARDIOPATHY. Identifiers: Orphanet 217569, MedGen C0007194, MeSH D002312, MONDO:0005045, HP:0001639.

Allele frequency attached by ClinVar (database versions not stated): gnomAD exomes below 0.00001; TOPMed below 0.00001.
gnomAD v4.1: 2 of 1,613,506 alleles (0.00012%); highest among the groups gnomAD compares: African/African-American, 0.0027%; no homozygotes.

Submissions (3):

Labcorp Genetics (formerly Invitae), Labcorp
Classification: Uncertain significance for Hypertrophic cardiomyopathy. Last evaluated: 2023-10-13. Review status: criteria provided, single submitter. Criteria: Invitae Variant Classification Sherloc (09022015). Collection method: clinical testing. Allele origin: germline.
Comment: This sequence change replaces arginine, which is basic and polar, with glutamine, which is neutral and polar, at codon 655 of the JPH2 protein (p.Arg655Gln). The frequency data for this variant in the population databases is considered unreliable, as metrics indicate poor data quality at this position in the gnomAD database. This variant has not been reported in the literature in individuals affected with JPH2-related conditions. ClinVar contains an entry for this variant (Variation ID: 850305). An algorithm developed to predict the effect of missense changes on protein structure and function (PolyPhen-2) suggests that this variant is likely to be tolerated. In summary, the available evidence is currently insufficient to determine the role of this variant in disease. Therefore, it has been classified as a Variant of Uncertain Significance.

Fulgent Genetics
Classification: Uncertain significance for Hypertrophic cardiomyopathy 17; Cardiomyopathy, dilated, 2E. Last evaluated: 2021-07-13. Review status: criteria provided, single submitter. Criteria: ACMG Guidelines, 2015. Collection method: clinical testing. Allele origin: unknown.

Ambry Genetics
Classification: Uncertain significance for Cardiovascular phenotype. Last evaluated: 2018-08-27. Review status: criteria provided, single submitter. Criteria: Ambry Variant Classification Scheme 2023. Collection method: clinical testing. Allele origin: germline.
Comment: The p.R655Q variant (also known as c.1964G>A), located in coding exon 4 of the JPH2 gene, results from a G to A substitution at nucleotide position 1964. The arginine at codon 655 is replaced by glutamine, an amino acid with highly similar properties. This amino acid position is well conserved in available vertebrate species. In addition, this alteration is predicted to be tolerated by in silico analysis. Since supporting evidence is limited at this time, the clinical significance of this alteration remains unclear.